The following is an entry in ClinVar:

NM_001368882.1(COL13A1):c.364+10C>T

Gene: COL13A1 (collagen type XIII alpha 1 chain; plus strand). Cytogenetic location: 10q22.1.
Variant type: single nucleotide variant.
Coding change: c.364+10C>T on transcript NM_001368882.1 (MANE Select); 10 bases into the intron after coding-DNA position 364, C replaced by T.
Molecular consequence: intron variant.
Genome position (GRCh38, 1-based): chr10:69,822,448, C>T. VCF-style: chr10-69822448-C-T. GRCh37 (hg19) VCF-style: chr10-71582204-C-T.
Other names: c.364+10C>T (NM_001320951.2, NM_001368884.1, NM_001130103.2 and 11 more transcripts); c.-290+10C>T (NM_001368886.1).
Identifiers: ClinVar variation 724461 (VCV000724461.11), dbSNP rs375595971, ClinGen allele CA5534059.

ClinVar aggregate classification (germline): Likely benign. Review status: criteria provided, multiple submitters, no conflicts (2 of 4 stars). 3 submissions from 3 submitters: Likely benign (2). 1 of the submissions does not count toward it. Last evaluated 2025-12-10.

Conditions:
COL13A1-related disorder. Also called: COL13A1-related condition.

Allele frequency attached by ClinVar (database versions not stated): gnomAD exomes 0.00053 and 0.00078; ESP Exome Variant Server 0.00057; TOPMed 0.00062; gnomAD 0.00066; ExAC 0.00105.
gnomAD v4.1: 1,203 of 1,580,716 alleles (0.076%); highest among the groups gnomAD compares: Non-Finnish European, 0.096%; no homozygotes.

Submissions (3):

Labcorp Genetics (formerly Invitae), Labcorp
Classification: Likely benign. Last evaluated: 2025-12-10. Review status: criteria provided, single submitter. Criteria: Invitae Variant Classification Sherloc (09022015). Collection method: clinical testing. Allele origin: germline.

Blueprint Genetics
Classification: Likely benign. Last evaluated: 2024-10-17. Review status: criteria provided, single submitter. Criteria: ACMG Guidelines, 2015. Collection method: clinical testing. Allele origin: germline.

PreventionGenetics, part of Exact Sciences
Classification: Likely benign for COL13A1-related condition. Last evaluated: 2024-08-08. Review status: no assertion criteria provided. Collection method: clinical testing. Allele origin: germline. Not counted in ClinVar's aggregate classification.
Comment: This variant is classified as likely benign based on ACMG/AMP sequence variant interpretation guidelines (Richards et al. 2015 PMID: 25741868, with internal and published modifications).